The following is an entry in ClinVar:

NM_007127.3(VIL1):c.274C>T (p.Arg92Trp)

Gene: VIL1 (villin 1; plus strand). Cytogenetic location: 2q35.
Variant type: single nucleotide variant.
Coding change: c.274C>T on transcript NM_007127.3 (MANE Select); coding-DNA position 274, C replaced by T.
Protein change: p.Arg92Trp; replaces arginine 92 with tryptophan.
Molecular consequence: missense variant.
Genome position (GRCh38, 1-based): chr2:218,425,738, C>T. VCF-style: chr2-218425738-C-T. GRCh37 (hg19) VCF-style: chr2-219290461-C-T.
Other names: short protein forms R92W.
Identifiers: ClinVar variation 3033712 (VCV003033712.2), dbSNP rs201270409, ClinGen allele CA2106009.

ClinVar aggregate classification (germline): Benign (0 of 4 stars; one submission).

Conditions:
VIL1-related disorder. Also called: VIL1-related condition.

Allele frequency attached by ClinVar (database versions not stated): gnomAD 0.00026; 1000 Genomes Project 30x 0.00109; ExAC 0.00112; 1000 Genomes Project 0.00120.

Submission:

PreventionGenetics, part of Exact Sciences
Classification: Benign for VIL1-related condition. Last evaluated: 2019-06-11. Review status: no assertion criteria provided. Collection method: clinical testing. Allele origin: germline.
Comment: This variant is classified as benign based on ACMG/AMP sequence variant interpretation guidelines (Richards et al. 2015 PMID: 25741868, with internal and published modifications).